The following is an entry in ClinVar:

NM_001037.5(SCN1B):c.412G>A (p.Val138Ile)

Gene: SCN1B (sodium voltage-gated channel beta subunit 1; plus strand). Cytogenetic location: 19q13.11.
Variant type: single nucleotide variant.
Coding change: c.412G>A on transcript NM_001037.5 (MANE Select); coding-DNA position 412, G replaced by A.
Protein change: p.Val138Ile; replaces valine 138 with isoleucine.
Molecular consequence: missense variant.
Genome position (GRCh38, 1-based): chr19:35,033,703, G>A. VCF-style: chr19-35033703-G-A. GRCh37 (hg19) VCF-style: chr19-35524607-G-A.
Other names: p.V138I:GTC>ATC; c.313G>A, p.Val105Ile (NM_001321605.2); c.412G>A, p.Val138Ile (NM_199037.5); short protein forms V138I, V105I.
Identifiers: ClinVar variation 180508 (VCV000180508.41), dbSNP rs72558029, ClinGen allele CA200177.
Genomic context (GRCh38, chr19:35,033,703, plus strand): 5'-GACTACGAGTGCCACGTCTACCGCCTGCTCTTCTTCGAAAACTACGAGCACAACACCAGC[G>A]TCGTCAAGAAGATCCACATTGAGGTAGTGGACAAAGGTGAGTCGGGTGCTGCCTGCCCCT-3'
Protein context (NP_001028.1, residues 128-148): FFENYEHNTS[Val138Ile]VKKIHIEVVD

ClinVar aggregate classification (germline): Benign/Likely benign. Review status: criteria provided, multiple submitters, no conflicts (2 of 4 stars). 17 submissions from 16 submitters: Benign (8); Likely benign (4). 5 of the submissions do not count toward it. Last evaluated 2026-02-02.

Conditions:
Cardiovascular phenotype. Identifiers: MedGen CN230736.
SCN1B-related disorder. Also called: SCN1B-related condition; SCN1B-Related Disorders.
Long QT syndrome (LQTS). Identifiers: MedGen C0023976, MeSH D008133, MONDO:0002442. Disease mechanism: loss of function. Inheritance: Various modes of inheritance.
Generalized epilepsy with febrile seizures plus, type 1 (GEFSP1). Also called: GEFS+, TYPE 1. Identifiers: Orphanet 36387, MedGen C1858672, MONDO:0011416, OMIM 604233.
Brugada syndrome 5 (BRGDA5). Identifiers: Orphanet 130, Orphanet 871, MedGen C2748541, MONDO:0013015, OMIM 612838.

Allele frequency attached by ClinVar (database versions not stated): ESP Exome Variant Server 0.00023; gnomAD 0.00058 and 0.00344; TOPMed 0.00109; ExAC 0.01168; 1000 Genomes Project 30x 0.01968; 1000 Genomes Project 0.02097.
gnomAD v4.1: 8,078 of 1,614,154 alleles (0.5%); highest among the groups gnomAD compares: South Asian, 7.9%; 367 homozygotes.

Submissions (17):

Labcorp Genetics (formerly Invitae), Labcorp
Classification: Benign for Brugada syndrome 5. Last evaluated: 2026-02-02. Review status: criteria provided, single submitter. Criteria: Invitae Variant Classification Sherloc (09022015). Collection method: clinical testing. Allele origin: germline.

ARUP Laboratories, Molecular Genetics and Genomics, ARUP Laboratories
Classification: Benign. Last evaluated: 2025-05-21. Review status: criteria provided, single submitter. Criteria: ARUP Molecular Germline Variant Investigation Process 2024. Collection method: clinical testing. Allele origin: germline.

Blueprint Genetics
Classification: Likely benign. Last evaluated: 2024-11-27. Review status: criteria provided, single submitter. Criteria: ACMG Guidelines, 2015. Collection method: clinical testing. Allele origin: germline.

Biesecker Lab/Clinical Genomics Section, National Institutes of Health
Classification: Benign. Last evaluated: 2020-02-21. Review status: criteria provided, single submitter. Criteria: Ng et al. (Circ Cardiovasc Genet. 2013). Collection method: research. Allele origin: unknown. Observed: 2 variant alleles.
Comment: The study set was not selected for affection status in relation to any cancer. Pathogenicity categories were based on literature curation. See Pubmed ID:23861362 for details.

Medical sequencing

Ambry Genetics
Classification: Benign for Cardiovascular phenotype. Last evaluated: 2019-09-16. Review status: criteria provided, single submitter. Criteria: Ambry Variant Classification Scheme 2023. Collection method: clinical testing. Allele origin: germline.

Athena Diagnostics
Classification: Benign. Last evaluated: 2019-03-08. Review status: criteria provided, single submitter. Criteria: Athena Diagnostics Criteria. Collection method: clinical testing. Allele origin: germline.

GeneDx
Classification: Benign. Last evaluated: 2018-07-13. Review status: criteria provided, single submitter. Criteria: GeneDx Variant Classification Process June 2021. Collection method: clinical testing. Allele origin: germline. Affected: yes.
Comment: This variant is associated with the following publications: (PMID: 28704380, 24529773)

Illumina Laboratory Services, Illumina
Classification: Benign for Brugada syndrome 5. Last evaluated: 2018-01-13. Review status: criteria provided, single submitter. Criteria: ICSL Variant Classification Criteria 13 December 2019. Collection method: clinical testing. Allele origin: germline.
Comment: This variant was observed in the ICSL laboratory as part of a predisposition screen in an ostensibly healthy population. It had not been previously curated by ICSL or reported in the Human Gene Mutation Database (HGMD: prior to June 1st, 2018), and was therefore a candidate for classification through an automated scoring system. Utilizing variant allele frequency, disease prevalence and penetrance estimates, and inheritance mode, an automated score was calculated to assess if this variant is too frequent to cause the disease. Based on the score and internal cut-off values, a variant classified as benign is not then subjected to further curation. The score for this variant resulted in a classification of benign for this disease.

Illumina Laboratory Services, Illumina
Classification: Benign for Generalized epilepsy with febrile seizures plus, type 1. Last evaluated: 2018-01-13. Review status: criteria provided, single submitter. Criteria: ICSL Variant Classification Criteria 13 December 2019. Collection method: clinical testing. Allele origin: germline.
Comment: the same text as in the submission from Illumina Laboratory Services, Illumina above.

Genetic Services Laboratory, University of Chicago
Classification: Likely benign. Last evaluated: 2015-05-15. Review status: criteria provided, single submitter. Criteria: ACMG Guidelines, 2015. Collection method: clinical testing. Allele origin: germline.

Agnes Ginges Centre for Molecular Cardiology, Centenary Institute
Classification: Likely benign for Long QT syndrome. Last evaluated: 2015-03-27. Review status: criteria provided, single submitter. Criteria: Agnes Ginges Centre for Molecular Cardiology criteria (2015). Collection method: research. Allele origin: germline. Inheritance: Autosomal dominant inheritance. Affected: yes.
Comment: The SCN1B Val138Ile variant has been previously reported. It is observed in the Exome Aggregation Consortium dataset with an allele frequency of 0.012 (1418/121366 alleles); and the frequency in the South Asian subpopulation is 0.08. In-silico software tools predict this variant to be tolerable (SIFT "tolerated"; PholyPhen2 "benign", MutationTaster "polymorphism"). Based on the high frequency (>1%) observed in the general population, we have classified this variant as "likely benign".

Breakthrough Genomics
Classification: Likely benign. Review status: criteria provided, single submitter. Criteria: ACMG Guidelines, 2015. Collection method: not provided. Allele origin: germline. Inheritance: Autosomal recessive inheritance. Affected: yes.

PreventionGenetics, part of Exact Sciences
Classification: Benign for SCN1B-related condition. Last evaluated: 2024-06-15. Review status: no assertion criteria provided. Collection method: clinical testing. Allele origin: germline. Not counted in ClinVar's aggregate classification.
Comment: This variant is classified as benign based on ACMG/AMP sequence variant interpretation guidelines (Richards et al. 2015 PMID: 25741868, with internal and published modifications).

Clinical Genetics, Academic Medical Center
Classification: Benign. Review status: no assertion criteria provided. Collection method: clinical testing. Allele origin: germline. Affected: yes. Study: VKGL Data-share Consensus. Not counted in ClinVar's aggregate classification.

Genome Diagnostics Laboratory, University Medical Center Utrecht
Classification: Likely benign. Review status: no assertion criteria provided. Collection method: clinical testing. Allele origin: germline. Affected: yes. Study: VKGL Data-share Consensus. Not counted in ClinVar's aggregate classification.

Joint Genome Diagnostic Labs from Nijmegen and Maastricht, Radboudumc and MUMC+
Classification: Benign. Review status: no assertion criteria provided. Collection method: clinical testing. Allele origin: germline. Affected: yes. Study: VKGL Data-share Consensus. Not counted in ClinVar's aggregate classification.

Laboratory of Diagnostic Genome Analysis, Leiden University Medical Center (LUMC)
Classification: Likely benign. Review status: no assertion criteria provided. Collection method: clinical testing. Allele origin: germline. Affected: yes. Study: VKGL Data-share Consensus. Not counted in ClinVar's aggregate classification.

Literature cited by the submitters: PubMed 24529773 (cited by Athena Diagnostics); PubMed 15671291 (cited by Athena Diagnostics); PubMed 26042039 (cited by Athena Diagnostics); PubMed 25668026 (cited by Athena Diagnostics); PubMed 19522081 (cited by Athena Diagnostics).